The following is an entry in ClinVar:

NM_024079.5(ALG8):c.897C>T (p.Ile299=)

Gene: ALG8 (ALG8 alpha-1,3-glucosyltransferase; minus strand). Cytogenetic location: 11q14.1.
Variant type: single nucleotide variant.
Coding change: c.897C>T on transcript NM_024079.5 (MANE Select); coding-DNA position 897, C replaced by T.
Protein change: p.Ile299=; no amino-acid change (isoleucine 299 retained).
Molecular consequence: synonymous variant.
Genome position (GRCh38, 1-based): chr11:78,112,651, G>A on the plus strand (C>T on the coding strand, the complement: ALG8 is on the minus strand). VCF-style: chr11-78112651-G-A. GRCh37 (hg19) VCF-style: chr11-77823697-G-A.
Other names: c.897C>T, p.Ile299= (NM_001007027.3).
Identifiers: ClinVar variation 306217 (VCV000306217.10), dbSNP rs886048686, ClinGen allele CA10631575.
Genomic context (GRCh38, chr11:78,112,651, plus strand): 5'-CCATGTGCCTAAGTCCTTTCAATATTCAGAGTCTGAGTAAAAAATGCTCGCTACCATACC[G>A]ATGACAGACAGCACTTTGTCCAAAGCATTGTACAAAGCCCAGAAGTTTGGAGCCCAATAT-3'
Protein context (NP_076984.2, residues 289-309): YNALDKVLSV[Ile299=]GLKLKFLDPN

ClinVar aggregate classification (germline): Uncertain significance. Review status: criteria provided, multiple submitters, no conflicts (2 of 4 stars). 3 submissions from 3 submitters: Uncertain significance (3). Last evaluated 2024-04-25.

Conditions:
ALG8 congenital disorder of glycosylation. Also called: CONGENITAL DISORDER OF GLYCOSYLATION, TYPE Ih; CDG Ih; ALG8-CDG. Identifiers: Orphanet 79325, MedGen C2931002, MONDO:0011969, OMIM 608104.
Polycystic liver disease 3 with or without kidney cysts. Identifiers: MedGen C4693472, MONDO:0054743, OMIM 617874.

Allele frequency attached by ClinVar (database versions not stated): gnomAD exomes below 0.00001; gnomAD 0.00002; TOPMed 0.00003.
gnomAD v4.1: 7 of 1,613,546 alleles (0.00043%); highest among the groups gnomAD compares: East Asian, 0.0045%; no homozygotes.

Submissions (3):

Labcorp Genetics (formerly Invitae), Labcorp
Classification: Uncertain significance for ALG8 congenital disorder of glycosylation. Last evaluated: 2024-04-25. Review status: criteria provided, single submitter. Criteria: Invitae Variant Classification Sherloc (09022015). Collection method: clinical testing. Allele origin: germline.
Comment: This sequence change affects codon 299 of the ALG8 mRNA. It is a 'silent' change, meaning that it does not change the encoded amino acid sequence of the ALG8 protein. It affects a nucleotide within the consensus splice site. The frequency data for this variant in the population databases is considered unreliable, as metrics indicate poor data quality at this position in the gnomAD database. This variant has not been reported in the literature in individuals affected with ALG8-related conditions. ClinVar contains an entry for this variant (Variation ID: 306217). Algorithms developed to predict the effect of sequence changes on RNA splicing suggest that this variant is not likely to affect RNA splicing. In summary, the available evidence is currently insufficient to determine the role of this variant in disease. Therefore, it has been classified as a Variant of Uncertain Significance.

Fulgent Genetics
Classification: Uncertain significance for ALG8 congenital disorder of glycosylation; Polycystic liver disease 3 with or without kidney cysts. Last evaluated: 2024-02-29. Review status: criteria provided, single submitter. Criteria: ACMG Guidelines, 2015. Collection method: clinical testing. Allele origin: germline.

Illumina Laboratory Services, Illumina
Classification: Uncertain significance for ALG8 congenital disorder of glycosylation. Last evaluated: 2018-01-13. Review status: criteria provided, single submitter. Criteria: ICSL Variant Classification Criteria 13 December 2019. Collection method: clinical testing. Allele origin: germline.